The following is an entry in ClinVar:

ClinVar aggregate classification (germline): Benign. Review status: criteria provided, multiple submitters, no conflicts (2 of 4 stars). 4 submissions from 4 submitters: Benign (4). Last evaluated 2026-02-02.

Conditions:
Fraser syndrome 1 (FRASRS1). Also called: CRYPTOPHTHALMOS WITH OTHER MALFORMATIONS. Identifiers: Orphanet 2052, MedGen C4551480, MONDO:0054737, OMIM 219000.

Allele frequency attached by ClinVar (database versions not stated): gnomAD exomes 0.00263 and 0.00678; ExAC 0.00798; ESP Exome Variant Server 0.02569; gnomAD 0.02620 and 0.02814; TOPMed 0.02866; 1000 Genomes Project 0.02995; 1000 Genomes Project 30x 0.03295.
gnomAD v4.1: 7,976 of 1,613,570 alleles (0.49%); highest among the groups gnomAD compares: African/African-American, 9.1%; 336 homozygotes.

Submissions (4):

Labcorp Genetics (formerly Invitae), Labcorp
Classification: Benign. Last evaluated: 2026-02-02. Review status: criteria provided, single submitter. Criteria: Invitae Variant Classification Sherloc (09022015). Collection method: clinical testing. Allele origin: germline.

Mayo Clinic Laboratories, Mayo Clinic
Classification: Benign. Last evaluated: 2023-04-10. Review status: criteria provided, single submitter. Criteria: ACMG Guidelines, 2015. Collection method: clinical testing. Allele origin: germline. Observed: 1 variant allele.

Illumina Laboratory Services, Illumina
Classification: Benign for Fraser syndrome 1. Last evaluated: 2018-01-13. Review status: criteria provided, single submitter. Criteria: ICSL Variant Classification Criteria 13 December 2019. Collection method: clinical testing. Allele origin: germline.
Comment: This variant was observed in the ICSL laboratory as part of a predisposition screen in an ostensibly healthy population. It had not been previously curated by ICSL or reported in the Human Gene Mutation Database (HGMD: prior to June 1st, 2018), and was therefore a candidate for classification through an automated scoring system. Utilizing variant allele frequency, disease prevalence and penetrance estimates, and inheritance mode, an automated score was calculated to assess if this variant is too frequent to cause the disease. Based on the score and internal cut-off values, a variant classified as benign is not then subjected to further curation. The score for this variant resulted in a classification of benign for this disease.

Breakthrough Genomics
Classification: Benign. Review status: criteria provided, single submitter. Criteria: ACMG Guidelines, 2015. Collection method: not provided. Allele origin: germline. Inheritance: Autosomal recessive inheritance. Affected: yes.

NM_025074.7(FRAS1):c.6608C>T (p.Thr2203Ile)

Gene: FRAS1 (Fraser extracellular matrix complex subunit 1; plus strand). Cytogenetic location: 4q21.21.
Variant type: single nucleotide variant.
Coding change: c.6608C>T on transcript NM_025074.7 (MANE Select); coding-DNA position 6608, C replaced by T.
Protein change: p.Thr2203Ile; replaces threonine 2203 with isoleucine.
Molecular consequence: missense variant.
Genome position (GRCh38, 1-based): chr4:78,452,199, C>T. VCF-style: chr4-78452199-C-T. GRCh37 (hg19) VCF-style: chr4-79373353-C-T.
Other names: p.Thr2203Ile; short protein forms T2203I.
Identifiers: ClinVar variation 349737 (VCV000349737.15), dbSNP rs114373602, ClinGen allele CA2977842.